The following is an entry in ClinVar:

ClinVar aggregate classification (germline): Uncertain significance (1 of 4 stars; one submission).

gnomAD v4.1: 1 of 1,611,056 alleles (0.000062%); highest among the groups gnomAD compares: Non-Finnish European, 0.000085%; no homozygotes.

Submission:

GeneDx
Classification: Uncertain significance. Last evaluated: 2025-07-23. Review status: criteria provided, single submitter. Criteria: GeneDx Variant Classification Process June 2021. Collection method: clinical testing. Allele origin: germline. Affected: yes.
Comment: Not observed at significant frequency in large population cohorts (gnomAD); In silico analysis suggests that this missense variant does not alter protein structure/function; Has not been previously published as pathogenic or benign to our knowledge

NM_001348716.2(KDM6B):c.1346T>G (p.Phe449Cys)

Gene: KDM6B (lysine demethylase 6B; plus strand). Cytogenetic location: 17p13.1.
Variant type: single nucleotide variant.
Coding change: c.1346T>G on transcript NM_001348716.2 (MANE Select); coding-DNA position 1346, T replaced by G.
Protein change: p.Phe449Cys; replaces phenylalanine 449 with cysteine.
Molecular consequence: missense variant.
Genome position (GRCh38, 1-based): chr17:7,847,634, T>G. VCF-style: chr17-7847634-T-G. GRCh37 (hg19) VCF-style: chr17-7750952-T-G.
Other names: c.1346T>G, p.Phe449Cys (NM_001080424.2); short protein forms F449C.
Identifiers: ClinVar variation 4686875 (VCV004686875.1).